The following is an entry in ClinVar:

NM_002470.4(MYH3):c.2530G>A (p.Ala844Thr)

Gene: MYH3 (myosin heavy chain 3; minus strand). Cytogenetic location: 17p13.1.
Variant type: single nucleotide variant.
Coding change: c.2530G>A on transcript NM_002470.4 (MANE Select); coding-DNA position 2530, G replaced by A.
Protein change: p.Ala844Thr; replaces alanine 844 with threonine.
Molecular consequence: missense variant.
Genome position (GRCh38, 1-based): chr17:10,640,148, C>T on the plus strand (G>A on the coding strand, the complement: MYH3 is on the minus strand). VCF-style: chr17-10640148-C-T. GRCh37 (hg19) VCF-style: chr17-10543465-C-T.
Other names: short protein forms A844T.
Identifiers: ClinVar variation 2100989 (VCV002100989.4), dbSNP rs2508601158, ClinGen allele CA398162288.

ClinVar aggregate classification (germline): Uncertain significance (1 of 4 stars; one submission).

Submission:

Labcorp Genetics (formerly Invitae), Labcorp
Classification: Uncertain significance. Last evaluated: 2022-02-21. Review status: criteria provided, single submitter. Criteria: Invitae Variant Classification Sherloc (09022015). Collection method: clinical testing. Allele origin: germline.
Comment: This variant has not been reported in the literature in individuals affected with MYH3-related conditions. This sequence change replaces alanine, which is neutral and non-polar, with threonine, which is neutral and polar, at codon 844 of the MYH3 protein (p.Ala844Thr). This variant is not present in population databases (gnomAD no frequency). Algorithms developed to predict the effect of missense changes on protein structure and function are either unavailable or do not agree on the potential impact of this missense change (SIFT: "Deleterious"; PolyPhen-2: "Benign"; Align-GVGD: "Class C55"). In summary, the available evidence is currently insufficient to determine the role of this variant in disease. Therefore, it has been classified as a Variant of Uncertain Significance.